The following is an entry in ClinVar:

ClinVar aggregate classification (germline): Uncertain significance. Review status: criteria provided, multiple submitters, no conflicts (2 of 4 stars). 5 submissions from 5 submitters: Uncertain significance (5). Last evaluated 2026-05-19.

Conditions:
MYLK-related disorder. Also called: MYLK-related condition.
Aortic aneurysm, familial thoracic 7 (AAT7). Also called: AORTIC DISSECTION, FAMILIAL, WITH OR WITHOUT AORTIC ANEURYSM. Identifiers: MedGen C3151077, MONDO:0013418, OMIM 613780.
Familial thoracic aortic aneurysm and aortic dissection (TAAD). Also called: Thoracic aortic aneurysms and dissections. Identifiers: Orphanet 91387, MedGen C4707243, MONDO:0019625.

Allele frequency attached by ClinVar (database versions not stated): ExAC 0.00001; gnomAD exomes 0.00002 and 0.00003; TOPMed 0.00002; gnomAD 0.00003 and 0.00004.
gnomAD v4.1: 22 of 1,613,950 alleles (0.0014%); highest among the groups gnomAD compares: Non-Finnish European, 0.0018%; no homozygotes.

Submissions (5):

PreventionGenetics, part of Exact Sciences
Classification: Uncertain significance for MYLK-related condition. Last evaluated: 2026-05-19. Review status: criteria provided, single submitter. Criteria: ACMG Guidelines, 2015. Collection method: clinical testing. Allele origin: germline.
Comment: The MYLK c.1807A>G variant is predicted to result in the amino acid substitution p.Lys603Glu. To our knowledge, this variant has not been reported in the literature. This variant is reported in 0.0035% of alleles in individuals of European (Non-Finnish) descent in gnomAD. At this time, the clinical significance of this variant is uncertain due to the absence of conclusive functional and genetic evidence.

Labcorp Genetics (formerly Invitae), Labcorp
Classification: Uncertain significance for Aortic aneurysm, familial thoracic 7. Last evaluated: 2025-08-11. Review status: criteria provided, single submitter. Criteria: Invitae Variant Classification Sherloc (09022015). Collection method: clinical testing. Allele origin: germline.
Comment: This sequence change replaces lysine, which is basic and polar, with glutamic acid, which is acidic and polar, at codon 603 of the MYLK protein (p.Lys603Glu). This variant is present in population databases (rs751023438, gnomAD 0.004%). This variant has not been reported in the literature in individuals affected with MYLK-related conditions. ClinVar contains an entry for this variant (Variation ID: 471705). An algorithm developed to predict the effect of missense changes on protein structure and function (PolyPhen-2) suggests that this variant is likely to be tolerated. In summary, the available evidence is currently insufficient to determine the role of this variant in disease. Therefore, it has been classified as a Variant of Uncertain Significance.

Ambry Genetics
Classification: Uncertain significance for Familial thoracic aortic aneurysm and aortic dissection. Last evaluated: 2025-07-04. Review status: criteria provided, single submitter. Criteria: Ambry Variant Classification Scheme 2023. Collection method: clinical testing. Allele origin: germline.

GeneDx
Classification: Uncertain significance. Last evaluated: 2023-09-27. Review status: criteria provided, single submitter. Criteria: GeneDx Variant Classification Process June 2021. Collection method: clinical testing. Allele origin: germline. Affected: yes.
Comment: Has not been previously published as pathogenic or benign to our knowledge; In silico analysis supports that this missense variant does not alter protein structure/function; Not observed at significant frequency in large population cohorts (gnomAD)

Fulgent Genetics
Classification: Uncertain significance for Aortic aneurysm, familial thoracic 7. Last evaluated: 2018-10-31. Review status: criteria provided, single submitter. Criteria: ACMG Guidelines, 2015. Collection method: clinical testing. Allele origin: unknown.

NM_053025.4(MYLK):c.1807A>G (p.Lys603Glu)

Gene: MYLK (myosin light chain kinase; minus strand). Cytogenetic location: 3q21.1.
Variant type: single nucleotide variant.
Coding change: c.1807A>G on transcript NM_053025.4 (MANE Select); coding-DNA position 1807, A replaced by G.
Protein change: p.Lys603Glu; replaces lysine 603 with glutamic acid.
Molecular consequence: missense variant.
Genome position (GRCh38, 1-based): chr3:123,709,891, T>C on the plus strand (A>G on the coding strand, the complement: MYLK is on the minus strand). VCF-style: chr3-123709891-T-C. GRCh37 (hg19) VCF-style: chr3-123428738-T-C.
Other names: c.1279A>G, p.Lys427Glu (NM_001321309.2); c.1600A>G, p.Lys534Glu (NM_053026.4, NM_053028.4); c.1807A>G, p.Lys603Glu (NM_053027.4); short protein forms K603E, K427E, K534E.
Identifiers: ClinVar variation 471705 (VCV000471705.15), dbSNP rs751023438, ClinGen allele CA067580.